The following is an entry in ClinVar:

NM_021930.6(RINT1):c.1904C>G (p.Ser635Cys)

Genes: EFCAB10 (EF-hand calcium binding domain 10; minus strand), RINT1 (RAD50 interactor 1; plus strand). Cytogenetic location: 7q22.3.
Variant type: single nucleotide variant.
Coding change: c.1904C>G on transcript NM_021930.6 (MANE Select); coding-DNA position 1904, C replaced by G.
Protein change: p.Ser635Cys; replaces serine 635 with cysteine.
Molecular consequence: missense variant. On other transcripts: 3 prime UTR variant (3), non-coding transcript variant (1).
Genome position (GRCh38, 1-based): chr7:105,565,294, C>G. VCF-style: chr7-105565294-C-G. GRCh37 (hg19) VCF-style: chr7-105205741-C-G.
Other names: c.*153G>C (NM_001355526.2); c.*255G>C (NM_001355530.2); c.*108G>C (NM_001355531.2); c.1670C>G, p.Ser557Cys (NM_001346599.2); c.881C>G, p.Ser294Cys (NM_001346600.2, NM_001346603.2); c.980C>G, p.Ser327Cys (NM_001346601.2); short protein forms S294C, S327C, S635C, S557C.
Identifiers: ClinVar variation 3314407 (VCV003314407.1).
Genomic context (GRCh38, chr7:105,565,294, plus strand): 5'-AGAAACTGATGAAAATTTTTTGGTAAAAATGTGTTTTTTCCAGATGGTTGTCCTTGCCAT[C>G]TCAGTCAGAGCAGGCAGTGATGTCCCTGTCCAGTTCGGCTTGCCCGTTGCTGCTGACGTT-3'
Protein context (NP_068749.3, residues 625-645): YKKERWLSLP[Ser635Cys]QSEQAVMSLS

ClinVar aggregate classification (germline): Uncertain significance (1 of 4 stars; one submission).

gnomAD v4.1: 1 of 1,596,646 alleles (0.000063%); highest among the groups gnomAD compares: Non-Finnish European, 0.000086%; no homozygotes.

Submission:

Ambry Genetics
Classification: Uncertain significance. Last evaluated: 2024-04-05. Review status: criteria provided, single submitter. Criteria: Ambry Variant Classification Scheme 2023. Collection method: clinical testing. Allele origin: germline.
Comment: The p.S635C variant (also known as c.1904C>G), located in coding exon 13 of the RINT1 gene, results from a C to G substitution at nucleotide position 1904. The serine at codon 635 is replaced by cysteine, an amino acid with dissimilar properties. This amino acid position is conserved. In addition, this alteration is predicted to be tolerated by in silico analysis. Based on the available evidence, the clinical significance of this variant remains unclear.